The following is an entry in ClinVar:

NM_006440.5(TXNRD2):c.1514T>A (p.Val505Asp)

Gene: TXNRD2 (thioredoxin reductase 2; minus strand). Cytogenetic location: 22q11.21.
Variant type: single nucleotide variant.
Coding change: c.1514T>A on transcript NM_006440.5 (MANE Select); coding-DNA position 1514, T replaced by A.
Protein change: p.Val505Asp; replaces valine 505 with aspartic acid.
Molecular consequence: missense variant. On other transcripts: non-coding transcript variant (1).
Genome position (GRCh38, 1-based): chr22:19,877,166, A>T on the plus strand (T>A on the coding strand, the complement: TXNRD2 is on the minus strand). VCF-style: chr22-19877166-A-T. GRCh37 (hg19) VCF-style: chr22-19864689-A-T.
Other names: c.1511T>A, p.Val504Asp (NM_001352300.2); c.1424T>A, p.Val475Asp (NM_001352301.2); c.1226T>A, p.Val409Asp (NM_001352302.2); short protein forms V505D, V475D, V504D, V409D.
Identifiers: ClinVar variation 264602 (VCV000264602.12), dbSNP rs759613137, ClinGen allele CA10103605.
Genomic context (GRCh38, chr22:19,877,166, plus strand): 5'-TACCCTCAGCAGCCTGTCACCGTGGGGTCCAGGCCTGAGCGCTTGGAGATGCGCAGCTTG[A>T]CTACCTCCTCAGAGCATGTGGGATGGATACCCACGGTCCGCATCACCTGCGCATAGGAAG-3'
Protein context (NP_006431.2, residues 495-515): GIHPTCSEEV[Val505Asp]KLRISKRSGL

ClinVar aggregate classification (germline): Uncertain significance. Review status: criteria provided, multiple submitters, no conflicts (2 of 4 stars). 3 submissions from 3 submitters: Uncertain significance (3). Last evaluated 2025-09-14.

Conditions:
Cardiovascular phenotype. Identifiers: MedGen CN230736.
Primary dilated cardiomyopathy (DCM). Also called: Dilated Cardiomyopathy. Identifiers: Orphanet 217604, MedGen C0007193, MeSH D002311, MONDO:0005021, HP:0001644. Inheritance: Various modes of inheritance.

Allele frequency attached by ClinVar (database versions not stated): ExAC 0.00004; gnomAD 0.00005 and 0.00004; gnomAD exomes 0.00005 and 0.00012; TOPMed 0.00005.
gnomAD v4.1: 171 of 1,610,258 alleles (0.011%); highest among the groups gnomAD compares: Non-Finnish European, 0.014%; no homozygotes.

Submissions (3):

Labcorp Genetics (formerly Invitae), Labcorp
Classification: Uncertain significance for Primary dilated cardiomyopathy. Last evaluated: 2025-09-14. Review status: criteria provided, single submitter. Criteria: Invitae Variant Classification Sherloc (09022015). Collection method: clinical testing. Allele origin: germline.
Comment: This sequence change replaces valine, which is neutral and non-polar, with aspartic acid, which is acidic and polar, at codon 505 of the TXNRD2 protein (p.Val505Asp). This variant is present in population databases (rs759613137, gnomAD 0.009%). This variant has not been reported in the literature in individuals affected with TXNRD2-related conditions. ClinVar contains an entry for this variant (Variation ID: 264602). Invitae Evidence Modeling of protein sequence and biophysical properties (such as structural, functional, and spatial information, amino acid conservation, physicochemical variation, residue mobility, and thermodynamic stability) indicates that this missense variant is not expected to disrupt TXNRD2 protein function with a negative predictive value of 80%. In summary, the available evidence is currently insufficient to determine the role of this variant in disease. Therefore, it has been classified as a Variant of Uncertain Significance.

Ambry Genetics
Classification: Uncertain significance for Cardiovascular phenotype. Last evaluated: 2024-02-12. Review status: criteria provided, single submitter. Criteria: Ambry Variant Classification Scheme 2023. Collection method: clinical testing. Allele origin: germline.

Clinical Genomics Laboratory, Stanford Medicine
Classification: Uncertain significance. Last evaluated: 2023-10-13. Review status: criteria provided, single submitter. Criteria: ACMG Guidelines, 2015. Collection method: clinical testing. Allele origin: germline. Observed: 1 variant allele, 1 heterozygote.
Comment: The p.Val505Asp variant in the TXNRD2 gene has not been previously reported in association with disease. This variant has also been identified in 11/127,434 European (non-Finnish) chromosomes (13/279,204 chromosomes overall) by the Genome Aggregation Database. This variant is present in ClinVar (Accession: VCV000264602.11). Computational tools predict that this variant is deleterious; however, the accuracy of in silico algorithms is limited. These data were assessed using the ACMG/AMP variant interpretation guidelines. In summary, the significance of the p.Val505Asp variant is uncertain. Additional information is needed to resolve the significance of this variant. [ACMG evidence codes used: PP3]